The following is an entry in ClinVar:

ClinVar aggregate classification (germline): Uncertain significance (1 of 4 stars; one submission).

Conditions:
Hennekam lymphangiectasia-lymphedema syndrome 2 (HKLLS2). Identifiers: Orphanet 2136, MedGen C4014939, MONDO:0014454, OMIM 616006.
Van Maldergem syndrome 2 (VMLDS2). Identifiers: Orphanet 314679, MedGen C3809875, MONDO:0014242, OMIM 615546.

gnomAD v4.1: 7 of 1,473,066 alleles (0.00048%); highest among the groups gnomAD compares: South Asian, 0.0065%; no homozygotes.

Submission:

Clinical Genomics Laboratory, Washington University in St. Louis
Classification: Uncertain significance for Van Maldergem syndrome 2; Hennekam lymphangiectasia-lymphedema syndrome 2. Last evaluated: 2025-11-04. Review status: criteria provided, single submitter. Criteria: ACMG Guidelines, 2015. Collection method: clinical testing. Allele origin: germline.
Comment: A FAT4 c.11906-3C>A variant was identified at a near heterozygous allelic fraction of 48.9%, a frequency which may be consistent with it being of germline origin. The FAT4 c.11906-3C>A variant, to our knowledge, has not been reported in the medical literature. This variant is only observed in 7/1,473,066 alleles in the general population (gnomAD v4.1.0), indicating it is not a common variant. Computational predictors indicate that the variant has no impact on splicing, evidence that this variant does not have a damaging effect on FAT4 function. Due to limited information, and based on ACMG/AMP guidelines for variant interpretation (Richards S et al., PMID: 25741868), the clinical significance of this variant is uncertain at this time.

Literature cited by the submitters: uncertain.

NM_001291303.3(FAT4):c.11906-3C>A

Gene: FAT4 (FAT atypical cadherin 4; plus strand). Cytogenetic location: 4q28.1.
Variant type: single nucleotide variant.
Coding change: c.11906-3C>A on transcript NM_001291303.3 (MANE Select); 3 bases into the intron before coding-DNA position 11906, C replaced by A.
Molecular consequence: intron variant.
Genome position (GRCh38, 1-based): chr4:125,468,509, C>A. VCF-style: chr4-125468509-C-A. GRCh37 (hg19) VCF-style: chr4-126389664-C-A.
Other names: c.11906-3C>A (NM_001438396.1, NM_001438397.1, NM_001291285.3); c.11900-3C>A (NM_024582.6); c.6677-3C>A (NM_001437895.1).
Identifiers: ClinVar variation 4974676 (VCV004974676.1).